The following is an entry in ClinVar:

NM_012156.2(EPB41L1):c.768G>A (p.Glu256=)

Gene: EPB41L1 (erythrocyte membrane protein band 4.1 like 1; plus strand). Cytogenetic location: 20q11.23.
Variant type: single nucleotide variant.
Coding change: c.768G>A on transcript NM_012156.2 (MANE Select); coding-DNA position 768, G replaced by A.
Protein change: p.Glu256=; no amino-acid change (glutamic acid 256 retained).
Molecular consequence: synonymous variant.
Genome position (GRCh38, 1-based): chr20:36,185,318, G>A. VCF-style: chr20-36185318-G-A. GRCh37 (hg19) VCF-style: chr20-34773240-G-A.
Other names: c.768G>A, p.Glu256= (NM_001258329.1); c.675G>A, p.Glu225= (NM_001258330.1); c.582G>A, p.Glu194= (NM_001258331.2, NM_177996.2).
Identifiers: ClinVar variation 736818 (VCV000736818.27), dbSNP rs114208832, ClinGen allele CA9839694.

ClinVar aggregate classification (germline): Benign. Review status: criteria provided, multiple submitters, no conflicts (2 of 4 stars). 2 submissions from 2 submitters: Benign (2). Last evaluated 2022-08-01.

Allele frequency attached by ClinVar (database versions not stated): gnomAD exomes 0.00011 and 0.00025; 1000 Genomes Project 0.00120; TOPMed 0.00121; ESP Exome Variant Server 0.00123; 1000 Genomes Project 30x 0.00141; ExAC 0.00035; gnomAD 0.00086 and 0.00095.
gnomAD v4.1: 298 of 1,613,140 alleles (0.018%); highest among the groups gnomAD compares: African/African-American, 0.37%; no homozygotes.

Submissions (2):

CeGaT Center for Human Genetics Tuebingen
Classification: Benign. Last evaluated: 2022-08-01. Review status: criteria provided, single submitter. Criteria: CeGaT Center For Human Genetics Tuebingen Variant Classification Criteria Version 2. Collection method: clinical testing. Allele origin: germline. Affected: yes. Observed: 1 variant allele.
Comment: EPB41L1: BS1, BS2

Labcorp Genetics (formerly Invitae), Labcorp
Classification: Benign. Last evaluated: 2018-11-26. Review status: criteria provided, single submitter. Criteria: Invitae Variant Classification Sherloc (09022015). Collection method: clinical testing. Allele origin: germline.